The following is an entry in ClinVar:

NM_130837.3(OPA1):c.1035+32T>C

Gene: OPA1 (OPA1 mitochondrial dynamin like GTPase; plus strand). Cytogenetic location: 3q29.
Variant type: single nucleotide variant.
Coding change: c.1035+32T>C on transcript NM_130837.3 (MANE Select); 32 bases into the intron after coding-DNA position 1035, T replaced by C.
Molecular consequence: intron variant.
Genome position (GRCh38, 1-based): chr3:193,637,313, T>C. VCF-style: chr3-193637313-T-C. GRCh37 (hg19) VCF-style: chr3-193355102-T-C.
Other names: c.498+32T>C (NM_001354664.2); c.501+32T>C (NM_001354663.2); c.924+32T>C (NM_130834.3); c.981+32T>C (NM_130836.3); c.870+32T>C (NM_015560.3); c.927+32T>C (NM_130835.3); c.816+32T>C (NM_130832.3); c.873+32T>C (NM_130833.3); and 1 more.
Identifiers: ClinVar variation 95730 (VCV000095730.8), dbSNP rs10451941, ClinGen allele CA148782.

ClinVar aggregate classification (germline): Benign. Review status: criteria provided, multiple submitters, no conflicts (2 of 4 stars). 3 submissions from 3 submitters: Benign (3). Last evaluated 2018-06-23.

Allele frequency attached by ClinVar (database versions not stated): 1000 Genomes Project 30x 0.38741; 1000 Genomes Project 0.38978; TOPMed 0.42049; ExAC 0.42245; gnomAD exomes 0.42383; ESP Exome Variant Server 0.42411; gnomAD 0.44363.
gnomAD v4.1: 604,573 of 1,412,594 alleles (43%); highest among the groups gnomAD compares: Non-Finnish European, 43%; 131,541 homozygotes.

Submissions (3):

GeneDx
Classification: Benign. Last evaluated: 2018-06-23. Review status: criteria provided, single submitter. Criteria: GeneDx Variant Classification Process June 2021. Collection method: clinical testing. Allele origin: germline. Affected: yes.
Comment: This variant is associated with the following publications: (PMID: 19581274, 11810296)

Eurofins Ntd Llc (ga)
Classification: Benign. Last evaluated: 2013-02-22. Review status: criteria provided, single submitter. Criteria: EGL Classification Definitions 2015. Collection method: clinical testing. Allele origin: germline. Observed: 167 variant alleles, 126 heterozygotes, 41 homozygotes.

Breakthrough Genomics
Classification: Benign. Review status: criteria provided, single submitter. Criteria: ACMG Guidelines, 2015. Collection method: not provided. Allele origin: germline. Inheritance: Autosomal recessive inheritance. Affected: yes.